The following is an entry in ClinVar:

NM_001365536.1(SCN9A):c.2053C>T (p.Leu685Phe)

Genes: SCN1A-AS1 (SCN1A and SCN9A antisense RNA 1; plus strand), SCN9A (sodium voltage-gated channel alpha subunit 9; minus strand). Cytogenetic location: 2q24.3.
Variant type: single nucleotide variant.
Coding change: c.2053C>T on transcript NM_001365536.1 (MANE Select); coding-DNA position 2053, C replaced by T.
Protein change: p.Leu685Phe; replaces leucine 685 with phenylalanine.
Molecular consequence: missense variant.
Genome position (GRCh38, 1-based): chr2:166,281,730, G>A on the plus strand (C>T on the coding strand, the complement: SCN9A is on the minus strand). VCF-style: chr2-166281730-G-A. GRCh37 (hg19) VCF-style: chr2-167138240-G-A.
Other names: c.2020C>T, p.Leu674Phe (NM_002977.4); short protein forms L674F, L685F.
Identifiers: ClinVar variation 567475 (VCV000567475.9), dbSNP rs1559007508, ClinGen allele CA349081065.
Genomic context (GRCh38, chr2:166,281,730, plus strand): 5'-ATTACATACCTTCCACAGTGTTTGTTAATATGCTTGCTCTACTCATTGCTCTCTGTCTGA[G>A]GTTGGGATCATTCAGCATATCCTCTGAAAGGAGATAGGAACTACAACGCCTTTTCTTGTG-3'
Protein context (NP_001352465.1, residues 675-695): LSEDMLNDPN[Leu685Phe]RQRAMSRASI

ClinVar aggregate classification (germline): Uncertain significance (1 of 4 stars; one submission).

Conditions:
Neuropathy, hereditary sensory and autonomic, type 2A (HSAN2A). Also called: ACROOSTEOLYSIS, GIACCAI TYPE; ACROOSTEOLYSIS, NEUROGENIC; MORVAN DISEASE; NEUROPATHY, CONGENITAL SENSORY; NEUROPATHY, HEREDITARY SENSORY RADICULAR, AUTOSOMAL RECESSIVE; NEUROPATHY, HEREDITARY SENSORY, TYPE IIA. Identifiers: Orphanet 970, MedGen C2752089, MONDO:0024309, OMIM 201300.
Generalized epilepsy with febrile seizures plus, type 7 (GEFSP7). Also called: GEFS+, TYPE 7. Identifiers: Orphanet 36387, MedGen C2751778, MONDO:0013470, OMIM 613863.

Submission:

Labcorp Genetics (formerly Invitae), Labcorp
Classification: Uncertain significance for Neuropathy, hereditary sensory and autonomic, type 2A; Generalized epilepsy with febrile seizures plus, type 7. Last evaluated: 2018-04-11. Review status: criteria provided, single submitter. Criteria: Invitae Variant Classification Sherloc (09022015). Collection method: clinical testing. Allele origin: germline.
Comment: This variant is not present in population databases (ExAC no frequency). In summary, the available evidence is currently insufficient to determine the role of this variant in disease. Therefore, it has been classified as a Variant of Uncertain Significance. Algorithms developed to predict the effect of missense changes on protein structure and function (SIFT, PolyPhen-2, Align-GVGD) all suggest that this variant is likely to be tolerated, but these predictions have not been confirmed by published functional studies and their clinical significance is uncertain. This variant has not been reported in the literature in individuals with SCN9A-related disease. This sequence change replaces leucine with phenylalanine at codon 674 of the SCN9A protein (p.Leu674Phe). The leucine residue is highly conserved and there is a small physicochemical difference between leucine and phenylalanine.